The following is an entry in ClinVar:

NM_000038.6(APC):c.5608G>C (p.Asp1870His)

Gene: APC (APC regulator of Wnt signaling pathway; plus strand). Cytogenetic location: 5q22.2.
Variant type: single nucleotide variant.
Coding change: c.5608G>C on transcript NM_000038.6 (MANE Select); coding-DNA position 5608, G replaced by C.
Protein change: p.Asp1870His; replaces aspartic acid 1870 with histidine.
Molecular consequence: missense variant.
Genome position (GRCh38, 1-based): chr5:112,841,202, G>C. VCF-style: chr5-112841202-G-C. GRCh37 (hg19) VCF-style: chr5-112176899-G-C.
Other names: c.5608G>C, p.Asp1870His (NM_001127510.3, NM_001354895.2, NM_001407450.1); c.5554G>C, p.Asp1852His (NM_001127511.3); c.5662G>C, p.Asp1888His (NM_001354896.2, NM_001407447.1, NM_001407448.1 and 1 more transcripts); c.5638G>C, p.Asp1880His (NM_001354897.2); c.5533G>C, p.Asp1845His (NM_001354898.2); c.5524G>C, p.Asp1842His (NM_001354899.2); c.5485G>C, p.Asp1829His (NM_001354900.2); c.5431G>C, p.Asp1811His (NM_001354901.2, NM_001407453.1); and 11 more; short protein forms D1710H, D1769H, D1852H, D1863H, D1870H, D1486H, D1744H, D1787H.
Identifiers: ClinVar variation 1748607 (VCV001748607.2), dbSNP rs769579396, ClinGen allele CA16033605.

ClinVar aggregate classification (germline): Uncertain significance (1 of 4 stars; one submission).

Conditions:
Hereditary cancer-predisposing syndrome. Also called: Hereditary Cancer Syndrome; Hereditary neoplastic syndrome; Neoplastic Syndromes, Hereditary; Tumor predisposition. Identifiers: Orphanet 140162, MedGen C0027672, MeSH D009386, MONDO:0015356.

Submission:

Ambry Genetics
Classification: Uncertain significance for Hereditary cancer-predisposing syndrome. Last evaluated: 2022-01-03. Review status: criteria provided, single submitter. Criteria: Ambry Variant Classification Scheme 2023. Collection method: clinical testing. Allele origin: germline.
Comment: The p.D1870H variant (also known as c.5608G>C), located in coding exon 15 of the APC gene, results from a G to C substitution at nucleotide position 5608. The aspartic acid at codon 1870 is replaced by histidine, an amino acid with similar properties. This amino acid position is well conserved in available vertebrate species. In addition, in silico predictors for this gene do not accurately predict pathogenicity. Since supporting evidence is limited at this time, the clinical significance of this alteration remains unclear.